The following is an entry in ClinVar:

NM_001142864.4(PIEZO1):c.7563G>C (p.Glu2521Asp)

Gene: PIEZO1 (piezo type mechanosensitive ion channel component 1 (Er blood group); minus strand). Cytogenetic location: 16q24.3.
Variant type: single nucleotide variant.
Coding change: c.7563G>C on transcript NM_001142864.4 (MANE Select); coding-DNA position 7563, G replaced by C.
Protein change: p.Glu2521Asp; replaces glutamic acid 2521 with aspartic acid.
Molecular consequence: missense variant.
Genome position (GRCh38, 1-based): chr16:88,715,608, C>G on the plus strand (G>C on the coding strand, the complement: PIEZO1 is on the minus strand). VCF-style: chr16-88715608-C-G. GRCh37 (hg19) VCF-style: chr16-88782016-C-G.
Other names: p.Glu2521Asp; short protein forms E2521D.
Identifiers: ClinVar variation 4542081 (VCV004542081.1).

ClinVar aggregate classification (germline): Uncertain significance (1 of 4 stars; one submission).

gnomAD v4.1: 1 of 1,549,680 alleles (0.000065%); highest among the groups gnomAD compares: African/African-American, 0.0014%; no homozygotes.

Submission:

Mayo Clinic Laboratories, Mayo Clinic
Classification: Uncertain significance. Last evaluated: 2025-04-21. Review status: criteria provided, single submitter. Criteria: ACMG Guidelines, 2015. Collection method: clinical testing. Allele origin: germline. Observed: 1 variant allele.
Comment: BP4_moderate, PM2_supporting